The following is an entry in ClinVar:

NM_199355.4(ADAMTS18):c.2602C>G (p.Pro868Ala)

Gene: ADAMTS18 (ADAM metallopeptidase with thrombospondin type 1 motif 18; minus strand). Cytogenetic location: 16q23.1.
Variant type: single nucleotide variant.
Coding change: c.2602C>G on transcript NM_199355.4 (MANE Select); coding-DNA position 2602, C replaced by G.
Protein change: p.Pro868Ala; replaces proline 868 with alanine.
Molecular consequence: missense variant.
Genome position (GRCh38, 1-based): chr16:77,300,335, G>C on the plus strand (C>G on the coding strand, the complement: ADAMTS18 is on the minus strand). VCF-style: chr16-77300335-G-C. GRCh37 (hg19) VCF-style: chr16-77334232-G-C.
Other names: c.2086C>G, p.Pro696Ala (NM_001326358.2); short protein forms P868A, P696A.
Identifiers: ClinVar variation 1503675 (VCV001503675.9), dbSNP rs763079254, ClinGen allele CA8180828.

ClinVar aggregate classification (germline): Uncertain significance. Review status: criteria provided, multiple submitters, no conflicts (2 of 4 stars). 2 submissions from 2 submitters: Uncertain significance (2). Last evaluated 2022-08-16.

Allele frequency attached by ClinVar (database versions not stated): gnomAD exomes below 0.00001 and 0.00003; ExAC 0.00001; gnomAD 0.00001; TOPMed 0.00001.

Submissions (2):

Labcorp Genetics (formerly Invitae), Labcorp
Classification: Uncertain significance. Last evaluated: 2022-08-16. Review status: criteria provided, single submitter. Criteria: Invitae Variant Classification Sherloc (09022015). Collection method: clinical testing. Allele origin: germline.
Comment: In summary, the available evidence is currently insufficient to determine the role of this variant in disease. Therefore, it has been classified as a Variant of Uncertain Significance. Algorithms developed to predict the effect of missense changes on protein structure and function are either unavailable or do not agree on the potential impact of this missense change (SIFT: "Not Available"; PolyPhen-2: "Benign"; Align-GVGD: "Not Available"). ClinVar contains an entry for this variant (Variation ID: 1503675). This variant has not been reported in the literature in individuals affected with ADAMTS18-related conditions. This variant is present in population databases (rs763079254, gnomAD 0.0009%). This sequence change replaces proline, which is neutral and non-polar, with alanine, which is neutral and non-polar, at codon 868 of the ADAMTS18 protein (p.Pro868Ala).

Blueprint Genetics
Classification: Uncertain significance. Last evaluated: 2020-08-05. Review status: criteria provided, single submitter. Criteria: ACMG Guidelines, 2015. Collection method: clinical testing. Allele origin: germline.